The following is an entry in ClinVar:

NM_001267550.2(TTN):c.68262_68266del (p.Asp22754fs)

Genes: TTN (titin; minus strand), TTN-AS1 (TTN antisense RNA 1; plus strand), LOC126806423 (CDK7 strongly-dependent group 2 enhancer GRCh37_chr2:179443309-179444508; plus strand). Cytogenetic location: 2q31.2.
Variant type: Deletion.
Coding change: c.68262_68266del on transcript NM_001267550.2 (MANE Select); coding-DNA positions 68262 to 68266, 5 bases deleted (TGTCA; older notation c.68262_68266delTGTCA).
Protein change: p.Asp22754fs; shifts the reading frame from aspartic acid 22754.
Molecular consequence: frameshift variant.
Genome position (GRCh38, 1-based): chr2:178,578,674-178,578,678, TGACA deleted on the plus strand (TGTCA on the coding strand, the reverse complement: TTN is on the minus strand); deleting any 5 consecutive bases within chr2:178,578,674-178,578,679 gives the same sequence; the c. name uses the placement nearest the transcript's 3' end. VCF-style (leftmost placement, unchanged base first): chr2-178578673-CTGACA-C. GRCh37 (hg19) VCF-style: chr2-179443400-CTGACA-C.
Other names: c.63339_63343del, p.Asp21113fs (NM_001256850.1); c.41067_41071del, p.Asp13689fs (NM_003319.4); c.60558_60562del, p.Asp20186fs (NM_133378.4); c.41442_41446del, p.Asp13814fs (NM_133432.3); c.41643_41647del, p.Asp13881fs (NM_133437.4); short protein forms D13689fs, D13814fs, D13881fs, D21113fs, D20186fs, D22754fs.
Identifiers: ClinVar variation 2035628 (VCV002035628.4), dbSNP rs2468846107, ClinGen allele CA2580064609.
Genomic context (GRCh38, chr2:178,578,673, plus strand): 5'-GTAATTGGAGAACCACCAGTTTTCTTGGGGTCAGTCCAAGTTAGAGATACTGAATCGTGT[CTGACA>C]TCCACAATATTGGGAGGTGGGGGAGCATCAGGCACATCTAGAAAAAAGTAGATAATGCAA-3'

ClinVar aggregate classification (germline): Likely pathogenic (1 of 4 stars; one submission).

Conditions:
Dilated cardiomyopathy 1G (CMD1G). Identifiers: Orphanet 154, MedGen C1858763, MONDO:0011400, OMIM 604145.
Autosomal recessive limb-girdle muscular dystrophy type 2J (LGMDR10). Also called: Limb-girdle muscular dystrophy, type 2J; MUSCULAR DYSTROPHY, LIMB-GIRDLE, AUTOSOMAL RECESSIVE 10. Identifiers: Orphanet 140922, MedGen C1837342, MONDO:0012127, OMIM 608807.

Submission:

Labcorp Genetics (formerly Invitae), Labcorp
Classification: Likely pathogenic for Dilated cardiomyopathy 1G; Autosomal recessive limb-girdle muscular dystrophy type 2J. Last evaluated: 2022-10-14. Review status: criteria provided, single submitter. Criteria: Invitae Variant Classification Sherloc (09022015). Collection method: clinical testing. Allele origin: germline.
Comment: This sequence change creates a premature translational stop signal (p.Asp22754Glufs*11) in the TTN gene. While this is not anticipated to result in nonsense mediated decay, it is expected to create a truncated TTN protein. This variant is not present in population databases (gnomAD no frequency). This variant has not been reported in the literature in individuals affected with TTN-related conditions. This variant is located in the A band of TTN (PMID: 25589632). Truncating variants in this region are significantly overrepresented in patients affected with dilated cardiomyopathy (PMID: 25589632). Truncating variants in this region have also been reported in individuals affected with autosomal recessive centronuclear myopathy (PMID: 23975875). In summary, the currently available evidence indicates that the variant is pathogenic, but additional data are needed to prove that conclusively. Therefore, this variant has been classified as Likely Pathogenic.

Literature cited by the submitters: PubMed 25589632; PubMed 23975875.